The following is an entry in ClinVar:

ClinVar aggregate classification (germline): Likely benign. Review status: criteria provided, multiple submitters, no conflicts (2 of 4 stars). 4 submissions from 4 submitters: Likely benign (4). Last evaluated 2025-11-09.

Conditions:
Cardiovascular phenotype. Identifiers: MedGen CN230736.
Catecholaminergic polymorphic ventricular tachycardia (CVPT). Also called: Catecholamine-induced polymorphic ventricular tachycardia. Identifiers: Orphanet 3286, MedGen C5574922, MONDO:0017990.
Catecholaminergic polymorphic ventricular tachycardia 1. Also called: VENTRICULAR TACHYCARDIA, CATECHOLAMINERGIC POLYMORPHIC, 1, WITH OR WITHOUT ATRIAL DYSFUNCTION AND/OR DILATED CARDIOMYOPATHY; VENTRICULAR TACHYCARDIA, STRESS-INDUCED POLYMORPHIC 1; RYR2-Related Catecholaminergic Polymorphic Ventricular Tachycardia. Identifiers: Orphanet 3286, MedGen C1631597, MONDO:0011484, OMIM 604772.
Cardiomyopathy (CMYO). Also called: Cardiomyopathies. Identifiers: Orphanet 167848, MedGen C0878544, MONDO:0004994, HP:0001638. Inheritance: Various modes of inheritance.

Allele frequency attached by ClinVar (database versions not stated): gnomAD 0.00001; gnomAD exomes 0.00001 and 0.00004; ExAC 0.00002; TOPMed 0.00003.
gnomAD v4.1: 14 of 1,613,704 alleles (0.00087%); highest among the groups gnomAD compares: Admixed American, 0.018%; no homozygotes.

Submissions (4):

Labcorp Genetics (formerly Invitae), Labcorp
Classification: Likely benign for Catecholaminergic polymorphic ventricular tachycardia 1. Last evaluated: 2025-11-09. Review status: criteria provided, single submitter. Criteria: Invitae Variant Classification Sherloc (09022015). Collection method: clinical testing. Allele origin: germline.

All of Us Research Program, National Institutes of Health
Classification: Likely benign for Catecholaminergic polymorphic ventricular tachycardia. Last evaluated: 2024-02-05. Review status: criteria provided, single submitter. Criteria: ACMG Guidelines, 2015. Collection method: clinical testing. Allele origin: germline. Inheritance: Autosomal dominant inheritance. Observed: 6 variant alleles, 6 heterozygotes.
Comment: This study involves interpretation of variants in research participants for the purpose of population health screening. Participant phenotype was not available at the time of variant classification. Additional details can be found in publication PMID: 35346344, PMCID: PMC8962531

Color Diagnostics, LLC DBA Color Health
Classification: Likely benign for Cardiomyopathy. Last evaluated: 2023-05-17. Review status: criteria provided, single submitter. Criteria: ACMG Guidelines, 2015. Collection method: clinical testing. Allele origin: germline.

Ambry Genetics
Classification: Likely benign for Cardiovascular phenotype. Last evaluated: 2022-08-22. Review status: criteria provided, single submitter. Criteria: Ambry Variant Classification Scheme 2023. Collection method: clinical testing. Allele origin: germline.

NM_001035.3(RYR2):c.12715C>T (p.Leu4239=)

Genes: RYR2 (ryanodine receptor 2; plus strand), LOC126806068 (BRD4-independent group 4 enhancer GRCh37_chr1:237947411-237948610; plus strand). Cytogenetic location: 1q43.
Variant type: single nucleotide variant.
Coding change: c.12715C>T on transcript NM_001035.3 (MANE Select); coding-DNA position 12715, C replaced by T.
Protein change: p.Leu4239=; no amino-acid change (leucine 4239 retained).
Molecular consequence: synonymous variant.
Genome position (GRCh38, 1-based): chr1:237,784,427, C>T. VCF-style: chr1-237784427-C-T. GRCh37 (hg19) VCF-style: chr1-237947727-C-T.
Identifiers: ClinVar variation 706617 (VCV000706617.15), dbSNP rs766396305, ClinGen allele CA085220.
Genomic context (GRCh38, chr1:237,784,427, plus strand): 5'-GAAGAAAGCGAGAAGGAGAGGCCGGAAGAGCAGGGGCCGAGGATGGCTTTCTTCTCCATT[C>T]TGACGGTCAGGTCGGCCCTGTTTGCGCTCAGGTACAATATCTTGACCCTTATGCGAATGC-3'
Protein context (NP_001026.2, residues 4229-4249): QGPRMAFFSI[Leu4239=]TVRSALFALR